The following is an entry in ClinVar:

ClinVar aggregate classification (germline): Likely benign. Review status: criteria provided, multiple submitters, no conflicts (2 of 4 stars). 3 submissions from 3 submitters: Likely benign (2). 1 of the submissions does not count toward it. Last evaluated 2025-10-23.

Conditions:
CIT-related disorder. Also called: CIT-related condition.

Allele frequency attached by ClinVar (database versions not stated): gnomAD exomes 0.00008 and 0.00018; ExAC 0.00021; 1000 Genomes Project 0.00040; 1000 Genomes Project 30x 0.00047; TOPMed 0.00076; gnomAD 0.00077; ESP Exome Variant Server 0.00108.
gnomAD v4.1: 218 of 1,613,966 alleles (0.014%); highest among the groups gnomAD compares: African/African-American, 0.21%; 1 homozygote.

Submissions (3):

Labcorp Genetics (formerly Invitae), Labcorp
Classification: Likely benign. Last evaluated: 2025-10-23. Review status: criteria provided, single submitter. Criteria: Invitae Variant Classification Sherloc (09022015). Collection method: clinical testing. Allele origin: germline.

GeneDx
Classification: Likely benign. Last evaluated: 2020-08-30. Review status: criteria provided, single submitter. Criteria: GeneDx Variant Classification Process June 2021. Collection method: clinical testing. Allele origin: germline. Affected: yes.

PreventionGenetics, part of Exact Sciences
Classification: Likely benign for CIT-related condition. Last evaluated: 2020-02-18. Review status: no assertion criteria provided. Collection method: clinical testing. Allele origin: germline. Not counted in ClinVar's aggregate classification.
Comment: This variant is classified as likely benign based on ACMG/AMP sequence variant interpretation guidelines (Richards et al. 2015 PMID: 25741868, with internal and published modifications).

NM_001206999.2(CIT):c.2007C>T (p.Ala669=)

Gene: CIT (citron rho-interacting serine/threonine kinase; minus strand). Cytogenetic location: 12q24.23.
Variant type: single nucleotide variant.
Coding change: c.2007C>T on transcript NM_001206999.2 (MANE Select); coding-DNA position 2007, C replaced by T.
Protein change: p.Ala669=; no amino-acid change (alanine 669 retained).
Molecular consequence: synonymous variant.
Genome position (GRCh38, 1-based): chr12:119,772,845, G>A on the plus strand (C>T on the coding strand, the complement: CIT is on the minus strand). VCF-style: chr12-119772845-G-A. GRCh37 (hg19) VCF-style: chr12-120210649-G-A.
Other names: c.2007C>T, p.Ala669= (NM_007174.3).
Identifiers: ClinVar variation 749702 (VCV000749702.12), dbSNP rs112550001, ClinGen allele CA6821902.